The following is an entry in ClinVar:

ClinVar aggregate classification (germline): Uncertain significance. Review status: criteria provided, multiple submitters, no conflicts (2 of 4 stars). 2 submissions from 2 submitters: Uncertain significance (2). Last evaluated 2025-02-17.

Conditions:
Lowe syndrome (OCRL). Also called: LOWE OCULOCEREBRORENAL SYNDROME; PHOSPHATIDYLINOSITOL 4,5-BISPHOSPHATE 5-PHOSPHATASE DEFICIENCY; Oculocerebrorenal Syndrome. Identifiers: Orphanet 534, MedGen C0028860, MONDO:0010645, OMIM 309000.
Dent disease type 2. Identifiers: Orphanet 1652, Orphanet 93623, MedGen C1845167, MONDO:0010359, OMIM 300555.

gnomAD v4.1: 4 of 1,211,673 alleles (0.00033%); highest among the groups gnomAD compares: African/African-American, 0.0017%; no homozygotes.

Submissions (3):

Labcorp Genetics (formerly Invitae), Labcorp
Classification: Uncertain significance for Lowe syndrome. Last evaluated: 2025-02-17. Review status: criteria provided, single submitter. Criteria: Invitae Variant Classification Sherloc (09022015). Collection method: clinical testing. Allele origin: germline.
Comment: This sequence change replaces asparagine, which is neutral and polar, with serine, which is neutral and polar, at codon 366 of the OCRL protein (p.Asn366Ser). This variant is present in population databases (no rsID available, gnomAD 0.001%). This variant has not been reported in the literature in individuals affected with OCRL-related conditions. ClinVar contains an entry for this variant (Variation ID: 3598019). Invitae Evidence Modeling of protein sequence and biophysical properties (such as structural, functional, and spatial information, amino acid conservation, physicochemical variation, residue mobility, and thermodynamic stability) indicates that this missense variant is not expected to disrupt OCRL protein function with a negative predictive value of 80%. In summary, the available evidence is currently insufficient to determine the role of this variant in disease. Therefore, it has been classified as a Variant of Uncertain Significance.

Fulgent Genetics
Classification: Uncertain significance for Dent disease type 2; Lowe syndrome. Last evaluated: 2024-04-10. Review status: criteria provided, single submitter. Criteria: ACMG Guidelines, 2015. Collection method: clinical testing. Allele origin: germline.

Dr. Peter K. Rogan Lab, Western University
No classification provided (evidence only). Condition: Thyroid cancer, nonmedullary, 1. Review status: no classification provided. Collection method: in vitro. Allele origin: not applicable. Functional consequence: retained intron. Not counted in ClinVar's aggregate classification.

NM_000276.4(OCRL):c.1097A>G (p.Asn366Ser)

Gene: OCRL (OCRL inositol polyphosphate-5-phosphatase; plus strand). Cytogenetic location: Xq26.1.
Variant type: single nucleotide variant.
Coding change: c.1097A>G on transcript NM_000276.4 (MANE Select); coding-DNA position 1097, A replaced by G.
Protein change: p.Asn366Ser; replaces asparagine 366 with serine.
Molecular consequence: missense variant.
Genome position (GRCh38, 1-based): chrX:129,562,639, A>G. VCF-style: chrX-129562639-A-G. GRCh37 (hg19) VCF-style: chrX-128696616-A-G.
Other names: c.1100A>G, p.Asn367Ser (NM_001318784.2); c.1097A>G, p.Asn366Ser (NM_001587.4); short protein forms N367S, N366S.
Identifiers: ClinVar variation 3598019 (VCV003598019.4).